The following is an entry in ClinVar:

ClinVar aggregate classification (germline): Uncertain significance. Review status: criteria provided, multiple submitters, no conflicts (2 of 4 stars). 2 submissions from 2 submitters: Uncertain significance (2). Last evaluated 2025-08-20.

Conditions:
Hereditary nonpolyposis colorectal neoplasms. Identifiers: MedGen C0009405, MeSH D003123.
Hereditary cancer-predisposing syndrome. Also called: Tumor predisposition; Hereditary neoplastic syndrome; Neoplastic Syndromes, Hereditary; Hereditary Cancer Syndrome. Identifiers: Orphanet 140162, MedGen C0027672, MeSH D009386, MONDO:0015356.

Submissions (2):

Ambry Genetics
Classification: Uncertain significance for Hereditary cancer-predisposing syndrome. Last evaluated: 2025-08-20. Review status: criteria provided, single submitter. Criteria: Ambry Variant Classification Scheme 2023. Collection method: clinical testing. Allele origin: germline.
Comment: The p.P59R variant (also known as c.176C>G), located in coding exon 1 of the MSH6 gene, results from a C to G substitution at nucleotide position 176. The proline at codon 59 is replaced by arginine, an amino acid with dissimilar properties. This amino acid position is well conserved in available vertebrate species. In addition, this alteration is predicted to be tolerated by in silico analysis. Based on the available evidence, the clinical significance of this variant remains unclear.

Labcorp Genetics (formerly Invitae), Labcorp
Classification: Uncertain significance for Hereditary nonpolyposis colorectal neoplasms. Last evaluated: 2025-07-21. Review status: criteria provided, single submitter. Criteria: Invitae Variant Classification Sherloc (09022015). Collection method: clinical testing. Allele origin: germline.
Comment: This sequence change replaces proline, which is neutral and non-polar, with arginine, which is basic and polar, at codon 59 of the MSH6 protein (p.Pro59Arg). This variant is not present in population databases (gnomAD no frequency). This variant has not been reported in the literature in individuals affected with MSH6-related conditions. ClinVar contains an entry for this variant (Variation ID: 1008271). Invitae Evidence Modeling of protein sequence and biophysical properties (such as structural, functional, and spatial information, amino acid conservation, physicochemical variation, residue mobility, and thermodynamic stability) indicates that this missense variant is not expected to disrupt MSH6 protein function with a negative predictive value of 95%. In summary, the available evidence is currently insufficient to determine the role of this variant in disease. Therefore, it has been classified as a Variant of Uncertain Significance.

NM_000179.3(MSH6):c.176C>G (p.Pro59Arg)

Gene: MSH6 (mutS homolog 6; plus strand). Cytogenetic location: 2p16.3.
Variant type: single nucleotide variant.
Coding change: c.176C>G on transcript NM_000179.3 (MANE Select); coding-DNA position 176, C replaced by G.
Protein change: p.Pro59Arg; replaces proline 59 with arginine.
Molecular consequence: missense variant. On other transcripts: 5 prime UTR variant (1).
Genome position (GRCh38, 1-based): chr2:47,783,409, C>G. VCF-style: chr2-47783409-C-G. GRCh37 (hg19) VCF-style: chr2-48010548-C-G.
Other names: c.176C>G, p.Pro59Arg (NM_001281492.2); c.-561C>G (NM_001281493.2); short protein forms P59R.
Identifiers: ClinVar variation 1008271 (VCV001008271.12), dbSNP rs1668129135, ClinGen allele CA346735007.